The following is an entry in ClinVar:

ClinVar aggregate classification (germline): Uncertain significance. Review status: criteria provided, multiple submitters, no conflicts (2 of 4 stars). 5 submissions from 5 submitters: Uncertain significance (5). Last evaluated 2025-10-01.

Conditions:
Hereditary cancer-predisposing syndrome. Also called: Hereditary Cancer Syndrome; Hereditary neoplastic syndrome; Neoplastic Syndromes, Hereditary; Tumor predisposition. Identifiers: Orphanet 140162, MedGen C0027672, MeSH D009386, MONDO:0015356.
Familial adenomatous polyposis 1 (FAP1). Also called: FAMILIAL ADENOMATOUS POLYPOSIS 1, ATTENUATED; POLYPOSIS, ADENOMATOUS INTESTINAL. Identifiers: MedGen C2713442, MONDO:0021056, OMIM 175100. Disease mechanism: loss of function.

Submissions (5):

Labcorp Genetics (formerly Invitae), Labcorp
Classification: Uncertain significance for Familial adenomatous polyposis 1. Last evaluated: 2025-10-01. Review status: criteria provided, single submitter. Criteria: Invitae Variant Classification Sherloc (09022015). Collection method: clinical testing. Allele origin: germline.
Comment: This sequence change replaces arginine, which is basic and polar, with tryptophan, which is neutral and slightly polar, at codon 1103 of the APC protein (p.Arg1103Trp). This variant is not present in population databases (gnomAD no frequency). This missense change has been observed in individual(s) with medullary thyroid cancer (PMID: 29518763). ClinVar contains an entry for this variant (Variation ID: 383369). Invitae Evidence Modeling of protein sequence and biophysical properties (such as structural, functional, and spatial information, amino acid conservation, physicochemical variation, residue mobility, and thermodynamic stability) indicates that this missense variant is not expected to disrupt APC protein function with a negative predictive value of 95%. In summary, the available evidence is currently insufficient to determine the role of this variant in disease. Therefore, it has been classified as a Variant of Uncertain Significance.

Color Diagnostics, LLC DBA Color Health
Classification: Uncertain significance for Hereditary cancer-predisposing syndrome. Last evaluated: 2024-07-01. Review status: criteria provided, single submitter. Criteria: ACMG Guidelines, 2015. Collection method: clinical testing. Allele origin: germline.
Comment: This missense variant replaces arginine with tryptophan at codon 1103 of the APC protein. Computational prediction suggests that this variant may have deleterious impact on protein structure and function (internally defined REVEL score threshold >= 0.7, PMID: 27666373). To our knowledge, functional studies have not been reported for this variant. This variant has been reported in an individual affected with acute myeloid leukemia, peritoneal mesothelioma, meningioma, and medullary thyroid cancer (PMID: 29518763). This variant has not been identified in the general population by the Genome Aggregation Database (gnomAD). The available evidence is insufficient to determine the role of this variant in disease conclusively. Therefore, this variant is classified as a Variant of Uncertain Significance.

Ambry Genetics
Classification: Uncertain significance for Hereditary cancer-predisposing syndrome. Last evaluated: 2023-10-04. Review status: criteria provided, single submitter. Criteria: Ambry Variant Classification Scheme 2023. Collection method: clinical testing. Allele origin: germline.
Comment: The p.R1103W variant (also known as c.3307A>T), located in coding exon 15 of the APC gene, results from an A to T substitution at nucleotide position 3307. The arginine at codon 1103 is replaced by tryptophan, an amino acid with dissimilar properties. This amino acid position is highly conserved in available vertebrate species. In addition, in silico predictors for this gene do not accurately predict pathogenicity. Since supporting evidence is limited at this time, the clinical significance of this alteration remains unclear.

Baylor Genetics
Classification: Uncertain significance for Familial adenomatous polyposis 1. Last evaluated: 2023-05-02. Review status: criteria provided, single submitter. Criteria: ACMG Guidelines, 2015. Collection method: clinical testing. Allele origin: unknown.

GeneDx
Classification: Uncertain significance. Last evaluated: 2016-02-15. Review status: criteria provided, single submitter. Criteria: GeneDx Variant Classification (06012015). Collection method: clinical testing. Allele origin: germline. Affected: yes.
Comment: The R1103W variant in the APC gene has not been reported previously as a pathogenic variant, nor as a benign variant, to our knowledge. The R1103W variant was not observed in approximately 6500 individuals of European and African American ancestry in the NHLBI Exome Sequencing Project, indicating it is not a common benign variant in these populations. The R1103W variant is a non-conservative amino acid substitution, which occurs at a position within the 15-amino acid repeat Î²-catenin binding domain that is conserved across species. In silico analysis predicts this variant is probably damaging to the protein structure/function. We interpret R1103W as a variant of uncertain significance.

Literature cited by the submitters: PubMed 29518763 (cited by Labcorp Genetics (formerly Invitae), Labcorp and Color Diagnostics, LLC DBA Color Health).

NM_000038.6(APC):c.3307A>T (p.Arg1103Trp)

Gene: APC (APC regulator of Wnt signaling pathway; plus strand). Cytogenetic location: 5q22.2.
Variant type: single nucleotide variant.
Coding change: c.3307A>T on transcript NM_000038.6 (MANE Select); coding-DNA position 3307, A replaced by T.
Protein change: p.Arg1103Trp; replaces arginine 1103 with tryptophan.
Molecular consequence: missense variant.
Genome position (GRCh38, 1-based): chr5:112,838,901, A>T. VCF-style: chr5-112838901-A-T. GRCh37 (hg19) VCF-style: chr5-112174598-A-T.
Other names: c.3307A>T, p.Arg1103Trp (NM_001127510.3, NM_001354895.2); c.3253A>T, p.Arg1085Trp (NM_001127511.3); c.3361A>T, p.Arg1121Trp (NM_001354896.2); c.3337A>T, p.Arg1113Trp (NM_001354897.2); c.3232A>T, p.Arg1078Trp (NM_001354898.2); c.3223A>T, p.Arg1075Trp (NM_001354899.2); c.3184A>T, p.Arg1062Trp (NM_001354900.2); c.3130A>T, p.Arg1044Trp (NM_001354901.2); and 5 more; short protein forms R1085W, R1103W, R1012W, R1044W, R1062W, R1075W, R820W, R943W.
Identifiers: ClinVar variation 383369 (VCV000383369.19), dbSNP rs1057521600, ClinGen allele CA16028592.